The following is an entry in ClinVar:

NM_001080477.4(TENM3):c.5190G>A (p.Thr1730=)

Gene: TENM3 (teneurin transmembrane protein 3; plus strand). Cytogenetic location: 4q35.1.
Variant type: single nucleotide variant.
Coding change: c.5190G>A on transcript NM_001080477.4 (MANE Select); coding-DNA position 5190, G replaced by A.
Protein change: p.Thr1730=; no amino-acid change (threonine 1730 retained).
Molecular consequence: synonymous variant.
Genome position (GRCh38, 1-based): chr4:182,775,039, G>A. VCF-style: chr4-182775039-G-A. GRCh37 (hg19) VCF-style: chr4-183696192-G-A.
Identifiers: ClinVar variation 785867 (VCV000785867.24), dbSNP rs183374276, ClinGen allele CA3148570.
Genomic context (GRCh38, chr4:182,775,039, plus strand): 5'-TGGCCTGGACTCACACTACCAAACAGAGCCGCACGTTCTGGCTGGCACCGCTAATCCGAC[G>A]GTTGCCAAAAGAAACATGACTTTGCCTGGCGAGAACGGTCAAAACTTGGTGGAATGGAGA-3'
Protein context (NP_001073946.1, residues 1720-1740): PHVLAGTANP[Thr1730=]VAKRNMTLPG

ClinVar aggregate classification (germline): Benign/Likely benign. Review status: criteria provided, multiple submitters, no conflicts (2 of 4 stars). 4 submissions from 4 submitters: Benign (2); Likely benign (2). Last evaluated 2025-11-10.

Allele frequency attached by ClinVar (database versions not stated): 1000 Genomes Project 30x 0.00141; 1000 Genomes Project 0.00160; TOPMed 0.00319; gnomAD exomes 0.00324 and 0.00541; gnomAD 0.00334 and 0.00337; ExAC 0.00349; ESP Exome Variant Server 0.00474.
gnomAD v4.1: 8,365 of 1,613,922 alleles (0.52%); highest among the groups gnomAD compares: Non-Finnish European, 0.64%; 25 homozygotes.

Submissions (4):

Labcorp Genetics (formerly Invitae), Labcorp
Classification: Benign. Last evaluated: 2025-11-10. Review status: criteria provided, single submitter. Criteria: Invitae Variant Classification Sherloc (09022015). Collection method: clinical testing. Allele origin: germline.

CeGaT Center for Human Genetics Tuebingen
Classification: Likely benign. Last evaluated: 2025-04-01. Review status: criteria provided, single submitter. Criteria: CeGaT Center For Human Genetics Tuebingen Variant Classification Criteria Version 2. Collection method: clinical testing. Allele origin: germline. Affected: yes. Observed: 3 variant alleles.
Comment: TENM3: BP4, BP7, BS2

Blueprint Genetics
Classification: Likely benign. Last evaluated: 2024-11-20. Review status: criteria provided, single submitter. Criteria: ACMG Guidelines, 2015. Collection method: clinical testing. Allele origin: germline.

Breakthrough Genomics
Classification: Benign. Review status: criteria provided, single submitter. Criteria: ACMG Guidelines, 2015. Collection method: not provided. Allele origin: germline. Inheritance: Autosomal recessive inheritance. Affected: yes.